The following is an entry in ClinVar:

ClinVar aggregate classification (germline): Uncertain significance (1 of 4 stars; one submission).

Conditions:
Multiple sulfatase deficiency (MSD). Also called: Mucosulfatidosis; Multiple Sulfatase Deficiency Disease; Sulfatidosis, Juvenile, Austin Type. Identifiers: Orphanet 585, MedGen C0268263, MONDO:0010088, OMIM 272200.

Allele frequency attached by ClinVar (database versions not stated): gnomAD exomes below 0.00001.
gnomAD v4.1: 1 of 1,614,052 alleles (0.000062%); highest among the groups gnomAD compares: Non-Finnish European, 0.000085%; no homozygotes.

Submission:

Labcorp Genetics (formerly Invitae), Labcorp
Classification: Uncertain significance for Multiple sulfatase deficiency. Last evaluated: 2024-12-16. Review status: criteria provided, single submitter. Criteria: Invitae Variant Classification Sherloc (09022015). Collection method: clinical testing. Allele origin: germline.
Comment: This sequence change replaces threonine, which is neutral and polar, with isoleucine, which is neutral and non-polar, at codon 197 of the SUMF1 protein (p.Thr197Ile). This variant is not present in population databases (gnomAD no frequency). This variant has not been reported in the literature in individuals affected with SUMF1-related conditions. ClinVar contains an entry for this variant (Variation ID: 1483203). Invitae Evidence Modeling of protein sequence and biophysical properties (such as structural, functional, and spatial information, amino acid conservation, physicochemical variation, residue mobility, and thermodynamic stability) has been performed for this missense variant. However, the output from this modeling did not meet the statistical confidence thresholds required to predict the impact of this variant on SUMF1 protein function. Algorithms developed to predict the effect of sequence changes on RNA splicing suggest that this variant may disrupt the consensus splice site. In summary, the available evidence is currently insufficient to determine the role of this variant in disease. Therefore, it has been classified as a Variant of Uncertain Significance.

NM_182760.4(SUMF1):c.590C>T (p.Thr197Ile)

Gene: SUMF1 (sulfatase modifying factor 1; minus strand). Cytogenetic location: 3p26.1.
Variant type: single nucleotide variant.
Coding change: c.590C>T on transcript NM_182760.4 (MANE Select); coding-DNA position 590, C replaced by T.
Protein change: p.Thr197Ile; replaces threonine 197 with isoleucine.
Molecular consequence: missense variant.
Genome position (GRCh38, 1-based): chr3:4,420,076, G>A on the plus strand (C>T on the coding strand, the complement: SUMF1 is on the minus strand). VCF-style: chr3-4420076-G-A. GRCh37 (hg19) VCF-style: chr3-4461760-G-A.
Other names: c.515C>T, p.Thr172Ile (NM_001164674.2); c.590C>T, p.Thr197Ile (NM_001164675.2); short protein forms T172I, T197I.
Identifiers: ClinVar variation 1483203 (VCV001483203.6), dbSNP rs2125041814, ClinGen allele CA351632844.